The following is an entry in ClinVar:

ClinVar aggregate classification (germline): Conflicting classifications of pathogenicity. Review status: criteria provided, conflicting classifications (1 of 4 stars). 2 submissions from 2 submitters: Uncertain significance (1); Likely benign (1). Last evaluated 2025-08-22.

Conditions:
Epileptic encephalopathy. Identifiers: MedGen C0543888, HP:0200134.

Allele frequency attached by ClinVar (database versions not stated): ExAC 0.00002; gnomAD exomes 0.00002 and 0.00009; gnomAD 0.00004; TOPMed 0.00006.
gnomAD v4.1: 149 of 1,612,504 alleles (0.0092%); highest among the groups gnomAD compares: Non-Finnish European, 0.011%; no homozygotes.

Submissions (2):

Ambry Genetics
Classification: Likely benign. Last evaluated: 2025-08-22. Review status: criteria provided, single submitter. Criteria: Ambry Variant Classification Scheme 2023. Collection method: clinical testing. Allele origin: germline.

Labcorp Genetics (formerly Invitae), Labcorp
Classification: Uncertain significance for Epileptic encephalopathy. Last evaluated: 2024-12-03. Review status: criteria provided, single submitter. Criteria: Invitae Variant Classification Sherloc (09022015). Collection method: clinical testing. Allele origin: germline.
Comment: This sequence change replaces arginine, which is basic and polar, with glutamine, which is neutral and polar, at codon 1171 of the FASN protein (p.Arg1171Gln). This variant is present in population databases (rs199937454, gnomAD 0.005%). This variant has not been reported in the literature in individuals affected with FASN-related conditions. ClinVar contains an entry for this variant (Variation ID: 1384344). An algorithm developed to predict the effect of missense changes on protein structure and function outputs the following: PolyPhen-2: "Benign". The glutamine amino acid residue is found in multiple mammalian species, which suggests that this missense change does not adversely affect protein function. In summary, the available evidence is currently insufficient to determine the role of this variant in disease. Therefore, it has been classified as a Variant of Uncertain Significance.

NM_004104.5(FASN):c.3512G>A (p.Arg1171Gln)

Gene: FASN (fatty acid synthase; minus strand). Cytogenetic location: 17q25.3.
Variant type: single nucleotide variant.
Coding change: c.3512G>A on transcript NM_004104.5 (MANE Select); coding-DNA position 3512, G replaced by A.
Protein change: p.Arg1171Gln; replaces arginine 1171 with glutamine.
Molecular consequence: missense variant.
Genome position (GRCh38, 1-based): chr17:82,086,474, C>T on the plus strand (G>A on the coding strand, the complement: FASN is on the minus strand). VCF-style: chr17-82086474-C-T. GRCh37 (hg19) VCF-style: chr17-80044350-C-T.
Other names: c.3512G>A (NM_004104.4); short protein forms R1171Q.
Identifiers: ClinVar variation 1384344 (VCV001384344.9), dbSNP rs199937454, ClinGen allele CA8852347.